The following is an entry in ClinVar:

ClinVar aggregate classification (germline): Uncertain significance (1 of 4 stars; one submission).

Allele frequency attached by ClinVar (database versions not stated): ExAC 0.00001.
gnomAD v4.1: 1 of 1,614,124 alleles (0.000062%); highest among the groups gnomAD compares: Admixed American, 0.0017%; no homozygotes.

Submission:

GeneDx
Classification: Uncertain significance. Last evaluated: 2019-06-10. Review status: criteria provided, single submitter. Criteria: GeneDx Variant Classification Process June 2021. Collection method: clinical testing. Allele origin: germline. Affected: yes.
Comment: Not observed at a significant frequency in large population cohorts (Lek et al., 2016); In silico analysis, which includes splice predictors and evolutionary conservation, supports that this variant does not alter protein structure/function; Has not been previously published as pathogenic or benign to our knowledge

NM_003119.4(SPG7):c.498C>T (p.Ser166=)

Gene: SPG7 (SPG7 matrix AAA peptidase subunit, paraplegin; plus strand). Cytogenetic location: 16q24.3.
Variant type: single nucleotide variant.
Coding change: c.498C>T on transcript NM_003119.4 (MANE Select); coding-DNA position 498, C replaced by T.
Protein change: p.Ser166=; no amino-acid change (serine 166 retained).
Molecular consequence: synonymous variant.
Genome position (GRCh38, 1-based): chr16:89,524,127, C>T. VCF-style: chr16-89524127-C-T. GRCh37 (hg19) VCF-style: chr16-89590535-C-T.
Other names: c.498C>T, p.Ser166= (NM_001363850.1, NM_199367.3).
Identifiers: ClinVar variation 1302621 (VCV001302621.2), dbSNP rs780508442, ClinGen allele CA8243658.
Genomic context (GRCh38, chr16:89,524,127, plus strand): 5'-GGTCATCGCGGTTGTCATGAGCCTCCTGAATGCTCTCAGCACCAGCGGAGGCAGCATTTC[C>T]TGGAACGACTTTGTCCACGAGATGCTGGCCAAGGGCGAGGTGCAGCGCGTCCAGGTGGTG-3'
Protein context (NP_003110.1, residues 156-176): NALSTSGGSI[Ser166=]WNDFVHEMLA